The following is an entry in ClinVar:

ClinVar aggregate classification (germline): Uncertain significance (1 of 4 stars; one submission).

Allele frequency attached by ClinVar (database versions not stated): gnomAD exomes below 0.00001.

Submission:

Labcorp Genetics (formerly Invitae), Labcorp
Classification: Uncertain significance. Last evaluated: 2022-12-14. Review status: criteria provided, single submitter. Criteria: Invitae Variant Classification Sherloc (09022015). Collection method: clinical testing. Allele origin: germline.
Comment: This sequence change falls in intron 7 of the TET2 gene. It does not directly change the encoded amino acid sequence of the TET2 protein. It affects a nucleotide within the consensus splice site. This variant is not present in population databases (gnomAD no frequency). This variant has not been reported in the literature in individuals affected with TET2-related conditions. Variants that disrupt the consensus splice site are a relatively common cause of aberrant splicing (PMID: 17576681, 9536098). Algorithms developed to predict the effect of sequence changes on RNA splicing suggest that this variant is not likely to affect RNA splicing. In summary, the available evidence is currently insufficient to determine the role of this variant in disease. Therefore, it has been classified as a Variant of Uncertain Significance.

Literature cited by the submitters: PubMed 17576681; PubMed 9536098.

NM_001127208.3(TET2):c.3955-3_3955-2insGTAT

Genes: TET2 (tet methylcytosine dioxygenase 2; plus strand), TET2-AS1 (TET2 antisense RNA 1; minus strand). Cytogenetic location: 4q24.
Variant type: Insertion.
Coding change: c.3955-3_3955-2insGTAT on transcript NM_001127208.3 (MANE Select); 3 bases into the intron before coding-DNA position 3955 through the canonical splice acceptor site of the intron before coding-DNA position 3955, GTAT inserted.
Molecular consequence: splice acceptor variant.
Genome position: GRCh38 VCF-style: chr4-105261756-C-CGTAT. GRCh37 (hg19) VCF-style: chr4-106182913-C-CGTAT.
Identifiers: ClinVar variation 2987588 (VCV002987588.3), dbSNP rs1730443007, ClinGen allele CA1482673258.